The following is an entry in ClinVar:

ClinVar aggregate classification (germline): Uncertain significance. Review status: criteria provided, multiple submitters, no conflicts (2 of 4 stars). 2 submissions from 2 submitters: Uncertain significance (2). Last evaluated 2025-10-23.

Conditions:
Inborn genetic diseases. Identifiers: MedGen C0950123, MeSH D030342.

gnomAD v4.1: 19 of 1,351,806 alleles (0.0014%); highest among the groups gnomAD compares: South Asian, 0.0019%; no homozygotes.

Submissions (2):

Ambry Genetics
Classification: Uncertain significance for Inborn genetic diseases. Last evaluated: 2025-10-23. Review status: criteria provided, single submitter. Criteria: Ambry Variant Classification Scheme 2023. Collection method: clinical testing. Allele origin: germline.

Labcorp Genetics (formerly Invitae), Labcorp
Classification: Uncertain significance. Last evaluated: 2023-05-23. Review status: criteria provided, single submitter. Criteria: Invitae Variant Classification Sherloc (09022015). Collection method: clinical testing. Allele origin: germline.
Comment: In summary, the available evidence is currently insufficient to determine the role of this variant in disease. Therefore, it has been classified as a Variant of Uncertain Significance. Advanced modeling of protein sequence and biophysical properties (such as structural, functional, and spatial information, amino acid conservation, physicochemical variation, residue mobility, and thermodynamic stability) performed at Invitae indicates that this missense variant is not expected to disrupt CDK13 protein function. This variant has not been reported in the literature in individuals affected with CDK13-related conditions. This variant is present in population databases (no rsID available, gnomAD 0.006%). This sequence change replaces proline, which is neutral and non-polar, with arginine, which is basic and polar, at codon 83 of the CDK13 protein (p.Pro83Arg).

NM_003718.5(CDK13):c.248C>G (p.Pro83Arg)

Genes: CDK13 (cyclin dependent kinase 13; plus strand), LOC129998292 (ATAC-STARR-seq lymphoblastoid silent region 18115; plus strand). Cytogenetic location: 7p14.1.
Variant type: single nucleotide variant.
Coding change: c.248C>G on transcript NM_003718.5 (MANE Select); coding-DNA position 248, C replaced by G.
Protein change: p.Pro83Arg; replaces proline 83 with arginine.
Molecular consequence: missense variant.
Genome position (GRCh38, 1-based): chr7:39,950,889, C>G. VCF-style: chr7-39950889-C-G. GRCh37 (hg19) VCF-style: chr7-39990488-C-G.
Other names: c.248C>G, p.Pro83Arg (NM_031267.4); short protein forms P83R.
Identifiers: ClinVar variation 2871135 (VCV002871135.4), dbSNP rs954023481, ClinGen allele CA157707135.